The following is an entry in ClinVar:

ClinVar aggregate classification (germline): Uncertain significance (1 of 4 stars; one submission).

Conditions:
Leigh syndrome (NULS). Also called: Leigh's necrotizing encephalopathy; Leigh's disease; Leigh Syndrome (mtDNA deletion); Leigh Disease; Subacute necrotizing encephalopathy; Necrotizing encephalopathy infantile subacute of Leigh. Identifiers: Orphanet 506, MedGen C2931891, MONDO:0009723, OMIM 256000.

Submission:

Wong Mito Lab, Molecular and Human Genetics, Baylor College of Medicine
Classification: Uncertain significance for Leigh syndrome. Last evaluated: 2019-10-17. Review status: criteria provided, single submitter. Criteria: Modified ACMG Guidelines (Unpublished). Collection method: clinical testing. Allele origin: germline.
Comment: The NC_012920.1:m.6358T>C (YP_003024028.1:p.Leu152Pro) variant in MTCO1 gene is interpretated to be a Uncertain Significance variant based on the modified ACMG guidelines (unpublished). This variant meets the following evidence codes: PP4, PP6, PP7

NC_012920.1(MT-CO1):m.6358T>C

Gene: MT-CO1 (mitochondrially encoded cytochrome c oxidase I; plus strand).
Variant type: single nucleotide variant.
Genome position: chrM-6358-T-C.
Identifiers: ClinVar variation 692643 (VCV000692643.1), dbSNP rs1603220439, ClinGen allele CA414783454.
Genomic context (GRCh38, chrMT:6,358, plus strand): 5'-TAGCAGGGAACTACTCCCACCCTGGAGCCTCCGTAGACCTAACCATCTTCTCCTTACACC[T>C]AGCAGGTGTCTCCTCTATCTTAGGGGCCATCAATTTCATCACAACAATTATCAATATAAA-3'